The following is an entry in ClinVar:

NM_002017.5(FLI1):c.7G>T (p.Gly3Trp)

Genes: FLI1 (Fli-1 proto-oncogene, ETS transcription factor; plus strand), SENCR (smooth muscle and endothelial cell enriched migration/differentiation-associated lncRNA; minus strand), LOC128462394 (CRISPRi-FlowFISH-validated ETS1 regulatory element GRCh37_chr11:128563455-128564187; plus strand). Cytogenetic location: 11q24.3.
Variant type: single nucleotide variant.
Coding change: c.7G>T on transcript NM_002017.5 (MANE Select); coding-DNA position 7, G replaced by T.
Protein change: p.Gly3Trp; replaces glycine 3 with tryptophan.
Molecular consequence: missense variant. On other transcripts: 5 prime UTR variant (2), intron variant (1).
Genome position (GRCh38, 1-based): chr11:128,694,265, G>T. VCF-style: chr11-128694265-G-T. GRCh37 (hg19) VCF-style: chr11-128564160-G-T.
Other names: c.-147G>T (NM_001167681.3); c.-363G>T (NM_001271010.2); c.-203+7564G>T (NM_001271012.2); short protein forms G3W.
Identifiers: ClinVar variation 2021992 (VCV002021992.4), dbSNP rs767250889, ClinGen allele CA383294140.
Genomic context (GRCh38, chr11:128,694,265, plus strand): 5'-TGTAACCGGGTCAATGTGTGGAATATTGGGGGGCTCGGCTGCAGACTTGGCCAAATGGAC[G>T]GGACTATTAAGGTAAGCGGCGGGGCAACGGACGCGGGCGGCGGGGACCGGCCGGGGAGGC-3'
Protein context (NP_002008.2, residues 1-13): MD[Gly3Trp]TIKEALSVVS

ClinVar aggregate classification (germline): Uncertain significance (1 of 4 stars; one submission).

Allele frequency attached by ClinVar (database versions not stated): gnomAD exomes below 0.00001.

Submission:

Labcorp Genetics (formerly Invitae), Labcorp
Classification: Uncertain significance. Last evaluated: 2022-08-05. Review status: criteria provided, single submitter. Criteria: Invitae Variant Classification Sherloc (09022015). Collection method: clinical testing. Allele origin: germline.
Comment: The frequency data for this variant in the population databases is considered unreliable, as metrics indicate poor data quality at this position in the gnomAD database. In summary, the available evidence is currently insufficient to determine the role of this variant in disease. Therefore, it has been classified as a Variant of Uncertain Significance. Algorithms developed to predict the effect of missense changes on protein structure and function are either unavailable or do not agree on the potential impact of this missense change (SIFT: "Tolerated"; PolyPhen-2: "Possibly Damaging"; Align-GVGD: "Class C0"). This variant has not been reported in the literature in individuals affected with FLI1-related conditions. This sequence change replaces glycine, which is neutral and non-polar, with tryptophan, which is neutral and slightly polar, at codon 3 of the FLI1 protein (p.Gly3Trp).